The following is an entry in ClinVar:

ClinVar aggregate classification (germline): Uncertain significance (1 of 4 stars; one submission).

Submission:

GeneDx
Classification: Uncertain significance. Last evaluated: 2026-04-20. Review status: criteria provided, single submitter. Criteria: GeneDx Variant Classification Process June 2021. Collection method: clinical testing. Allele origin: germline.
Comment: Not observed at significant frequency in large population cohorts (gnomAD); In silico analysis suggests that this missense variant does not alter protein structure/function; Has not been previously published as pathogenic or benign to our knowledge

NM_001278116.2(L1CAM):c.3549C>G (p.Asn1183Lys)

Gene: L1CAM (L1 cell adhesion molecule; minus strand). Cytogenetic location: Xq28.
Variant type: single nucleotide variant.
Coding change: c.3549C>G on transcript NM_001278116.2 (MANE Select); coding-DNA position 3549, C replaced by G.
Protein change: p.Asn1183Lys; replaces asparagine 1183 with lysine.
Molecular consequence: missense variant.
Genome position (GRCh38, 1-based): chrX:153,862,888, G>C on the plus strand (C>G on the coding strand, the complement: L1CAM is on the minus strand). VCF-style: chrX-153862888-G-C. GRCh37 (hg19) VCF-style: chrX-153128343-G-C.
Other names: c.3549C>G, p.Asn1183Lys (NM_000425.5); c.3522C>G, p.Asn1174Lys (NM_001143963.2); c.3537C>G, p.Asn1179Lys (NM_024003.3); short protein forms N1174K, N1179K, N1183K.
Identifiers: ClinVar variation 5037443 (VCV005037443.1).
Genomic context (GRCh38, chrX:153,862,888, plus strand): 5'-GCCCAGGGGCTTGATGTCCCCGTTGAGCGATGGCTGGCTGCTGCCAAAGGCCTTCTCCTC[G>C]TTGTCACTGCAGAGGCACAGGGCAGGTGCGAGTGAGAGCACTGCCGAGCCCCTGCAGGAG-3'
Protein context (NP_001265045.1, residues 1173-1193): FGEYRSLESD[Asn1183Lys]EEKAFGSSQP